The following is an entry in ClinVar:

NM_001201543.2(FAM161A):c.1226C>T (p.Pro409Leu)

Gene: FAM161A (FAM161 centrosomal protein A; minus strand). Cytogenetic location: 2p15.
Variant type: single nucleotide variant.
Coding change: c.1226C>T on transcript NM_001201543.2 (MANE Select); coding-DNA position 1226, C replaced by T.
Protein change: p.Pro409Leu; replaces proline 409 with leucine.
Molecular consequence: missense variant. On other transcripts: non-coding transcript variant (1).
Genome position (GRCh38, 1-based): chr2:61,839,778, G>A on the plus strand (C>T on the coding strand, the complement: FAM161A is on the minus strand). VCF-style: chr2-61839778-G-A. GRCh37 (hg19) VCF-style: chr2-62066913-G-A.
Other names: c.1226C>T, p.Pro409Leu (NM_032180.3); short protein forms P409L.
Identifiers: ClinVar variation 1476672 (VCV001476672.4), dbSNP rs776356504, ClinGen allele CA1679188.
Genomic context (GRCh38, chr2:61,839,778, plus strand): 5'-GGAGTTGGGCACCTAACCTTGTGTTTACACTTCAACTTTACAGCCTGTTCAGGACACCTG[G>A]GGTTCCTGCATCCACAAGCTGACCTACAAGGCAGAGGAGATGAGTTCTGTAAATGCTCCT-3'
Protein context (NP_001188472.1, residues 399-419): PCRSACGCRN[Pro409Leu]RCPEQAVKLK

ClinVar aggregate classification (germline): Uncertain significance. Review status: criteria provided, multiple submitters, no conflicts (2 of 4 stars). 2 submissions from 2 submitters: Uncertain significance (2). Last evaluated 2021-10-15.

Allele frequency attached by ClinVar (database versions not stated): gnomAD 0.00001; gnomAD exomes 0.00001 and 0.00003; ExAC 0.00002; TOPMed 0.00002.
gnomAD v4.1: 9 of 1,613,958 alleles (0.00056%); highest among the groups gnomAD compares: Admixed American, 0.012%; no homozygotes.

Submissions (2):

Labcorp Genetics (formerly Invitae), Labcorp
Classification: Uncertain significance. Last evaluated: 2021-10-15. Review status: criteria provided, single submitter. Criteria: Invitae Variant Classification Sherloc (09022015). Collection method: clinical testing. Allele origin: germline.
Comment: This sequence change replaces proline with leucine at codon 409 of the FAM161A protein (p.Pro409Leu). The proline residue is moderately conserved and there is a moderate physicochemical difference between proline and leucine. This variant is present in population databases (rs776356504, ExAC 0.009%). This variant has not been reported in the literature in individuals with FAM161A-related conditions. Algorithms developed to predict the effect of missense changes on protein structure and function output the following: SIFT: "Tolerated"; PolyPhen-2: "Benign"; Align-GVGD: "Class C0". The leucine amino acid residue is found in multiple mammalian species, suggesting that this missense change does not adversely affect protein function. These predictions have not been confirmed by published functional studies and their clinical significance is uncertain. In summary, the available evidence is currently insufficient to determine the role of this variant in disease. Therefore, it has been classified as a Variant of Uncertain Significance.

Blueprint Genetics
Classification: Uncertain significance. Last evaluated: 2018-07-17. Review status: criteria provided, single submitter. Criteria: ACMG Guidelines, 2015. Collection method: clinical testing. Allele origin: germline.